The following is an entry in ClinVar:

NM_003742.4(ABCB11):c.3361_3383delinsCACA (p.Thr1121fs)

Gene: ABCB11 (ATP binding cassette subfamily B member 11; minus strand). Cytogenetic location: 2q31.1.
Variant type: Indel.
Coding change: c.3361_3383delinsCACA on transcript NM_003742.4 (MANE Select); coding-DNA positions 3361 to 3383, ACTAGCATTCAGCTGTTGGAACG replaced by CACA.
Protein change: p.Thr1121fs; shifts the reading frame from threonine 1121.
Molecular consequence: frameshift variant.
Genome position (GRCh38, 1-based): chr2:168,930,693-168,930,715, CGTTCCAACAGCTGAATGCTAGT replaced by TGTG on the plus strand (ACTAGCATTCAGCTGTTGGAACG replaced by CACA on the coding strand, the reverse complement: ABCB11 is on the minus strand). VCF-style: chr2-168930693-CGTTCCAACAGCTGAATGCTAGT-TGTG. GRCh37 (hg19) VCF-style: chr2-169787203-CGTTCCAACAGCTGAATGCTAGT-TGTG.
Other names: short protein forms T1121fs.
Identifiers: ClinVar variation 4846185 (VCV004846185.1).

ClinVar aggregate classification (germline): Pathogenic (1 of 4 stars; one submission).

Conditions:
Familial intrahepatic cholestasis. Identifiers: Orphanet 284385, MedGen CN296401, MONDO:0017290.

Submission:

Genomenon, Inc
Classification: Pathogenic for Familial intrahepatic cholestasis. Last evaluated: 2026-04-14. Review status: criteria provided, single submitter. Criteria: Genomenon Sequence Variant Interpretation Standards - Updated. Collection method: curation. Allele origin: germline. Affected: yes.
Comment: ABCB11 p.Thr1121HisfsTer11 (c.3361_3383delinsCACA) is a frameshift variant that results in the production of a truncated protein which is predicted to undergo nonsense-mediated mRNA decay. This variant has been observed in at least one proband with an ABCB11-related disorder (PMID:41165782). It is absent or not present at a significant frequency in gnomAD. In conclusion, we classify ABCB11 p.Thr1121HisfsTer11 (c.3361_3383delinsCACA) as a pathogenic variant.

Literature cited by the submitters: PubMed 41165782.